The following is an entry in ClinVar:

ClinVar aggregate classification (germline): Uncertain significance. Review status: criteria provided, multiple submitters, no conflicts (2 of 4 stars). 8 submissions from 8 submitters: Uncertain significance (8). Last evaluated 2025-07-10.

Conditions:
Central core myopathy (CMYO1A). Also called: CONGENITAL MYOPATHY 1A, AUTOSOMAL DOMINANT, WITH SUSCEPTIBILITY TO MALIGNANT HYPERTHERMIA; Central core disease; Myopathy, central fibrillar. Identifiers: Orphanet 597, MedGen C5830701, MONDO:0007294, OMIM 117000.
King Denborough syndrome (KDS). Identifiers: MedGen C1840365, MONDO:0020485, OMIM 619542.
Congenital multicore myopathy with external ophthalmoplegia (CMYO1B). Also called: MULTIMINICORE DISEASE WITH EXTERNAL OPHTHALMOPLEGIA; Congenital myopathy 1B, autosomal recessive; Minicore myopathy; Minicore myopathy with external ophthalmoplegia; MULTICORE MYOPATHY. Identifiers: Orphanet 598, Orphanet 98905, MedGen C1850674, MONDO:0009712, OMIM 255320, HP:0003789.
Malignant hyperthermia, susceptibility to, 1 (MHS1). Also called: Anesthesia related hyperthermia; Malignant hyperpyrexia; Fulminating hyperpyrexia; Pharmacogenic myopathy; RYR1-Related Malignant Hyperthermia Susceptibility; Malignant hyperthermia suceptibility 1. Identifiers: Orphanet 423, MedGen C2930980, MONDO:0007783, OMIM 145600.
Congenital myopathy with fiber type disproportion. Also called: Congenital fiber-type disproportion; Congenital fiber-type disproportion myopathy. Identifiers: Orphanet 2020, MedGen C0546264, MONDO:0009711. Inheritance: all.
RYR1-related disorder. Also called: RYR1-related disorders; RYR1-related condition. Identifiers: MedGen CN239331.

Allele frequency attached by ClinVar (database versions not stated): TOPMed 0.00003; ExAC 0.00005; gnomAD exomes 0.00005 and 0.00008; gnomAD 0.00007 and 0.00008; 1000 Genomes Project 0.00020; 1000 Genomes Project 30x 0.00031.
gnomAD v4.1: 90 of 1,613,924 alleles (0.0056%); highest among the groups gnomAD compares: Middle Eastern, 0.049%; no homozygotes.

Submissions (8):

Women's Health and Genetics/Laboratory Corporation of America, LabCorp
Classification: Uncertain significance. Last evaluated: 2025-07-10. Review status: criteria provided, single submitter. Criteria: LabCorp Variant Classification Summary - May 2015. Collection method: clinical testing. Allele origin: germline.
Comment: Variant summary: RYR1 c.13927G>A (p.Ala4643Thr) results in a non-conservative amino acid change in the encoded protein sequence. Algorithms developed to predict the effect of missense changes on protein structure and function are either unavailable or do not agree on the potential impact of this missense change. The variant allele was found at a frequency of 8e-05 in 251480 control chromosomes (gnomAD). This frequency is not significantly higher than estimated for a pathogenic variant in RYR1 causing Congenital multicore myopathy with external ophthalmoplegia (8e-05 vs 0.0011), allowing no conclusion about variant significance. This report does not provide unequivocal conclusions about association of the variant with Congenital multicore myopathy with external ophthalmoplegia. To our knowledge, no experimental evidence demonstrating an impact on protein function has been reported. The following publication has been ascertained in the context of this evaluation (PMID: 29172004). ClinVar contains an entry for this variant (Variation ID: 1047755). Based on the evidence outlined above, the variant was classified as uncertain significance.

Color Diagnostics, LLC DBA Color Health
Classification: Uncertain significance for Malignant hyperthermia, susceptibility to, 1. Last evaluated: 2025-06-18. Review status: criteria provided, single submitter. Criteria: ACMG Guidelines, 2015. Collection method: clinical testing. Allele origin: germline.
Comment: This missense variant replaces alanine with threonine at codon 4643 of the RYR1 protein. Computational prediction is inconclusive regarding the impact of this variant on protein structure and function. To our knowledge, functional studies have not been reported for this variant. This variant has not been reported in individuals affected with RYR1-related disorders in the literature. This variant has been identified in 20/251480 chromosomes in the general population by the Genome Aggregation Database (gnomAD). The available evidence is insufficient to determine the role of this variant in disease conclusively. Therefore, this variant is classified as a Variant of Uncertain Significance.

Labcorp Genetics (formerly Invitae), Labcorp
Classification: Uncertain significance for RYR1-related disorder. Last evaluated: 2024-10-03. Review status: criteria provided, single submitter. Criteria: Invitae Variant Classification Sherloc (09022015). Collection method: clinical testing. Allele origin: germline.
Comment: This sequence change replaces alanine, which is neutral and non-polar, with threonine, which is neutral and polar, at codon 4643 of the RYR1 protein (p.Ala4643Thr). The frequency data for this variant in the population databases is considered unreliable, as metrics indicate poor data quality at this position in the gnomAD database. This missense change has been observed in individual(s) with autosomal dominant congenital muscular dystrophy (PMID: 29172004). This variant is also known as p.Ala4636Thr. ClinVar contains an entry for this variant (Variation ID: 1047755). Invitae Evidence Modeling of protein sequence and biophysical properties (such as structural, functional, and spatial information, amino acid conservation, physicochemical variation, residue mobility, and thermodynamic stability) indicates that this missense variant is not expected to disrupt RYR1 protein function with a negative predictive value of 80%. This variant disrupts the p.Ala4643 amino acid residue in RYR1. Other variant(s) that disrupt this residue have been determined to be pathogenic (PMID: 27159402). This suggests that this residue is clinically significant, and that variants that disrupt this residue are likely to be disease-causing. In summary, the available evidence is currently insufficient to determine the role of this variant in disease. Therefore, it has been classified as a Variant of Uncertain Significance.

All of Us Research Program, National Institutes of Health
Classification: Uncertain significance for Malignant hyperthermia, susceptibility to, 1. Last evaluated: 2024-09-23. Review status: criteria provided, single submitter. Criteria: ACMG Guidelines, 2015. Collection method: clinical testing. Allele origin: germline. Inheritance: Autosomal dominant inheritance. Observed: 11 variant alleles, 11 heterozygotes.
Comment: This missense variant replaces alanine with threonine at codon 4643 of the RYR1 protein. Computational prediction is inconclusive regarding the impact of this variant on protein structure and function (internally defined REVEL score threshold 0.5 < inconclusive < 0.7, PMID: 27666373). To our knowledge, functional studies have not been reported for this variant. This variant has not been reported in individuals affected with RYR1-related disorders in the literature. This variant has been identified in 20/251480 chromosomes in the general population by the Genome Aggregation Database (gnomAD). The available evidence is insufficient to determine the role of this variant in disease conclusively. Therefore, this variant is classified as a Variant of Uncertain Significance.

This study involves interpretation of variants in research participants for the purpose of population health screening. Participant phenotype was not available at the time of variant classification. Additional details can be found in publication PMID: 35346344, PMCID: PMC8962531

Illumina Laboratory Services, Illumina
Classification: Uncertain significance for RYR1-related disorder. Last evaluated: 2023-06-08. Review status: criteria provided, single submitter. Criteria: ICSLVariantClassificationCriteria RUGD 01 April 2020. Collection method: clinical testing. Allele origin: unknown.
Comment: The RYR1 c.13927G>A, p.(Ala4643Thr) missense variant has been reported in a heterozygous state in one individual with myopathy (PMID: 29172004). A different amino acid substitution at the same codon, p.Ala4643Pro, has been reported in a heterozygous state in an individual with RYR1-related myopathy (PMID: 27159402). This variant is not observed at a significant frequency in version 2.1.1 or version 3.1.2 of the Genome Aggregation Database. This variant has been classified as a variant of uncertain significance by multiple submitters in ClinVar, including one submission in which the variant was identified in a homozygous state in an individual with myopathy (VCV001047755.8). Based on the available evidence, the c.13927G>A, p.(Ala4643Thr) variant is classified as a variant of uncertain significance for RYR1-related disorders.

3billion
Classification: Uncertain significance for Central core myopathy. Last evaluated: 2022-09-01. Review status: criteria provided, single submitter. Criteria: ACMG Guidelines, 2015. Collection method: clinical testing. Allele origin: germline. Affected: yes. Observed: 1 homozygote.
Comment: The variant is observed at an extremely low frequency in the gnomAD v2.1.1 dataset (total allele frequency: 0.008%). In silico tool predictions suggest damaging effect of the variant on gene or gene product (REVEL: 0.53; 3Cnet: 0.80). Same nucleotide change resulting in same amino acid change (PMID: 29172004 ) and a different missense change at the same codon (p.Ala4643Pro/ PMID: 27159402 ) have been previously reported to be associated with RYR1-related disorder. However, the evidence of pathogenicity is insufficient at this time. Therefore, this variant is classified as uncertain significance according to the recommendation of ACMG/AMP guideline.

CeGaT Center for Human Genetics Tuebingen
Classification: Uncertain significance. Last evaluated: 2022-06-01. Review status: criteria provided, single submitter. Criteria: CeGaT Center For Human Genetics Tuebingen Variant Classification Criteria Version 2. Collection method: clinical testing. Allele origin: germline. Affected: yes. Observed: 1 variant allele.
Comment: RYR1: PS1:Moderate, PP3

Fulgent Genetics
Classification: Uncertain significance for Central core myopathy; Malignant hyperthermia, susceptibility to, 1; Congenital myopathy 4A, autosomal dominant; Congenital multicore myopathy with external ophthalmoplegia; King Denborough syndrome. Last evaluated: 2021-10-05. Review status: criteria provided, single submitter. Criteria: ACMG Guidelines, 2015. Collection method: clinical testing. Allele origin: unknown.

Literature cited by the submitters: PubMed 29172004 (cited by 3 submitters); PubMed 27159402 (cited by Labcorp Genetics (formerly Invitae), Labcorp and 3billion).

NM_000540.3(RYR1):c.13927G>A (p.Ala4643Thr)

Gene: RYR1 (ryanodine receptor 1; plus strand). Cytogenetic location: 19q13.2.
Variant type: single nucleotide variant.
Coding change: c.13927G>A on transcript NM_000540.3 (MANE Select); coding-DNA position 13927, G replaced by A.
Protein change: p.Ala4643Thr; replaces alanine 4643 with threonine.
Molecular consequence: missense variant.
Genome position (GRCh38, 1-based): chr19:38,572,199, G>A. VCF-style: chr19-38572199-G-A. GRCh37 (hg19) VCF-style: chr19-39062839-G-A.
Other names: c.13912G>A, p.Ala4638Thr (NM_001042723.2); short protein forms A4643T, A4638T.
Identifiers: ClinVar variation 1047755 (VCV001047755.40), dbSNP rs200286252, ClinGen allele CA060657.